The following is an entry in ClinVar:

ClinVar aggregate classification (germline): Pathogenic/Likely pathogenic. Review status: criteria provided, multiple submitters, no conflicts (2 of 4 stars). 2 submissions from 2 submitters: Pathogenic (1); Likely pathogenic (1). Last evaluated 2023-09-12.

Conditions:
Bardet-Biedl syndrome 7 (BBS7). Identifiers: Orphanet 110, MedGen C1859565, MONDO:0014435, OMIM 615984.
Bardet-Biedl syndrome (BBS). Identifiers: Orphanet 110, MedGen C0752166, MONDO:0015229.

Allele frequency attached by ClinVar (database versions not stated): gnomAD exomes below 0.00001.
gnomAD v4.1: 1 of 1,501,696 alleles (0.000067%); highest among the groups gnomAD compares: Non-Finnish European, 0.000092%; no homozygotes.

Submissions (2):

Baylor Genetics
Classification: Likely pathogenic for Bardet-Biedl syndrome 7. Last evaluated: 2023-09-12. Review status: criteria provided, single submitter. Criteria: ACMG Guidelines, 2015. Collection method: clinical testing. Allele origin: unknown.

Labcorp Genetics (formerly Invitae), Labcorp
Classification: Pathogenic for Bardet-Biedl syndrome. Last evaluated: 2023-09-04. Review status: criteria provided, single submitter. Criteria: Invitae Variant Classification Sherloc (09022015). Collection method: clinical testing. Allele origin: germline.
Comment: For these reasons, this variant has been classified as Pathogenic. This sequence change affects an acceptor splice site in intron 15 of the BBS7 gene. It is expected to disrupt RNA splicing. Variants that disrupt the donor or acceptor splice site typically lead to a loss of protein function (PMID: 16199547), and loss-of-function variants in BBS7 are known to be pathogenic (PMID: 12567324, 19402160, 21209035, 31196119). This variant is present in population databases (no rsID available, gnomAD 0.005%). Disruption of this splice site has been observed in individual(s) with clinical features of Bardet-Biedl syndrome (PMID: 31521835). It has also been observed to segregate with disease in related individuals. Algorithms developed to predict the effect of sequence changes on RNA splicing suggest that this variant may disrupt the consensus splice site.

Literature cited by the submitters: PubMed 16199547 (cited by Labcorp Genetics (formerly Invitae), Labcorp); PubMed 12567324 (cited by Labcorp Genetics (formerly Invitae), Labcorp); PubMed 19402160 (cited by Labcorp Genetics (formerly Invitae), Labcorp); PubMed 21209035 (cited by Labcorp Genetics (formerly Invitae), Labcorp); PubMed 31196119 (cited by Labcorp Genetics (formerly Invitae), Labcorp); PubMed 31521835 (cited by Labcorp Genetics (formerly Invitae), Labcorp).

NM_176824.3(BBS7):c.1677-2A>G

Gene: BBS7 (Bardet-Biedl syndrome 7; minus strand). Cytogenetic location: 4q27.
Variant type: single nucleotide variant.
Coding change: c.1677-2A>G on transcript NM_176824.3 (MANE Select); the canonical splice acceptor site of the intron before coding-DNA position 1677, A replaced by G.
Molecular consequence: splice acceptor variant.
Genome position (GRCh38, 1-based): chr4:121,828,730, T>C on the plus strand (A>G on the coding strand, the complement: BBS7 is on the minus strand). VCF-style: chr4-121828730-T-C. GRCh37 (hg19) VCF-style: chr4-122749885-T-C.
Other names: c.1677-2A>G (NM_018190.4).
Identifiers: ClinVar variation 2680064 (VCV002680064.4), dbSNP rs1253789424, ClinGen allele CA358056262.